The following is an entry in ClinVar:

NM_001267550.2(TTN):c.10280G>A (p.Ser3427Asn)

Gene: TTN (titin; minus strand). Cytogenetic location: 2q31.2.
Variant type: single nucleotide variant.
Coding change: c.10280G>A on transcript NM_001267550.2 (MANE Select); coding-DNA position 10280, G replaced by A.
Protein change: p.Ser3427Asn; replaces serine 3427 with asparagine.
Molecular consequence: missense variant.
Genome position (GRCh38, 1-based): chr2:178,759,007, C>T on the plus strand (G>A on the coding strand, the complement: TTN is on the minus strand). VCF-style: chr2-178759007-C-T. GRCh37 (hg19) VCF-style: chr2-179623734-C-T.
Other names: c.10280G>A, p.Ser3427Asn (NM_001256850.1, NM_133378.4, NM_133379.5); c.10142G>A, p.Ser3381Asn (NM_003319.4, NM_133432.3, NM_133437.4); short protein forms S3381N, S3427N.
Identifiers: ClinVar variation 2438276 (VCV002438276.6), dbSNP rs368333336, ClinGen allele CA2004148.

ClinVar aggregate classification (germline): Uncertain significance. Review status: criteria provided, multiple submitters, no conflicts (2 of 4 stars). 4 submissions from 4 submitters: Uncertain significance (4). Last evaluated 2026-07-21.

Conditions:
TTN-related disorder. Also called: TTN-related condition; TTN-related disease; TTN-related disorders.

Allele frequency attached by ClinVar (database versions not stated): ExAC 0.00001; gnomAD exomes 0.00001; TOPMed 0.00006; ESP Exome Variant Server 0.00015.
gnomAD v4.1: 13 of 1,613,894 alleles (0.00081%); highest among the groups gnomAD compares: African/African-American, 0.017%; no homozygotes.

Submissions (4):

PreventionGenetics, part of Exact Sciences
Classification: Uncertain significance for TTN-related condition. Last evaluated: 2026-07-21. Review status: criteria provided, single submitter. Criteria: ACMG Guidelines, 2015. Collection method: clinical testing. Allele origin: germline.
Comment: The TTN c.10280G>A variant is predicted to result in the amino acid substitution p.Ser3427Asn. To our knowledge, this variant has not been reported in the literature. This variant is reported in 0.012% of alleles in individuals of African descent in gnomAD. At this time, the clinical significance of this variant is uncertain due to the absence of conclusive functional and genetic evidence.

Women's Health and Genetics/Laboratory Corporation of America, LabCorp
Classification: Uncertain significance. Last evaluated: 2026-06-01. Review status: criteria provided, single submitter. Criteria: LabCorp Variant Classification Summary - May 2015. Collection method: clinical testing. Allele origin: germline.
Comment: Variant summary: TTN c.10280G>A (p.Ser3427Asn) results in a conservative amino acid change in the encoded protein sequence. Algorithms developed to predict the effect of missense changes on protein structure and function are either unavailable or do not agree on the potential impact of this missense change. The variant allele was found at a frequency of 8e-06 in 251168 control chromosomes. The available data on variant occurrences in the general population are insufficient to allow any conclusion about variant significance. To our knowledge, no occurrence of c.10280G>A in individuals affected with TTN-related conditions and no experimental evidence demonstrating its impact on protein function have been reported. ClinVar contains an entry for this variant (Variation ID: 2438276). Based on the evidence outlined above, the variant was classified as uncertain significance.

GeneDx
Classification: Uncertain significance. Last evaluated: 2025-03-12. Review status: criteria provided, single submitter. Criteria: GeneDx Variant Classification Process June 2021. Collection method: clinical testing. Allele origin: germline. Affected: yes.
Comment: Not observed at a significant frequency in large population cohorts (gnomAD); Missense variant in a gene in which most reported pathogenic variants are truncating/loss-of-function; Has not been previously published as pathogenic or benign to our knowledge

Revvity Omics, Revvity
Classification: Uncertain significance. Last evaluated: 2019-11-25. Review status: criteria provided, single submitter. Criteria: ACMG Guidelines, 2015. Collection method: clinical testing. Allele origin: germline.